The following is an entry in ClinVar:

NM_001814.6(CTSC):c.1294G>A (p.Gly432Ser)

Gene: CTSC (cathepsin C; minus strand). Cytogenetic location: 11q14.2.
Variant type: single nucleotide variant.
Coding change: c.1294G>A on transcript NM_001814.6 (MANE Select); coding-DNA position 1294, G replaced by A.
Protein change: p.Gly432Ser; replaces glycine 432 with serine.
Molecular consequence: missense variant.
Genome position (GRCh38, 1-based): chr11:88,294,104, C>T on the plus strand (G>A on the coding strand, the complement: CTSC is on the minus strand). VCF-style: chr11-88294104-C-T. GRCh37 (hg19) VCF-style: chr11-88027272-C-T.
Other names: short protein forms G432S.
Identifiers: ClinVar variation 836452 (VCV000836452.8), dbSNP rs142232391, ClinGen allele CA6219737.

ClinVar aggregate classification (germline): Uncertain significance (1 of 4 stars; one submission).

Conditions:
Periodontitis, aggressive. Identifiers: MedGen C0031106, MONDO:0980757.
Haim-Munk syndrome (HMS). Also called: COCHIN JEWISH DISORDER; KERATOSIS PALMOPLANTARIS WITH PERIODONTOPATHIA AND ONYCHOGRYPOSIS. Identifiers: Orphanet 2342, MedGen C1855627, MONDO:0009491, OMIM 245010.
Papillon-Lefèvre syndrome (PALS). Also called: Papillon-Lefevre Disease; KERATOSIS PALMOPLANTARIS WITH PERIODONTOPATHIA. Identifiers: Orphanet 678, MedGen C0030360, MONDO:0009490, OMIM 245000.

Allele frequency attached by ClinVar (database versions not stated): ESP Exome Variant Server 0.00008; TOPMed 0.00003; gnomAD 0.00005; gnomAD exomes 0.00002; ExAC 0.00003.
gnomAD v4.1: 40 of 1,613,958 alleles (0.0025%); highest among the groups gnomAD compares: African/African-American, 0.015%; no homozygotes.

Submission:

Labcorp Genetics (formerly Invitae), Labcorp
Classification: Uncertain significance for Haim-Munk syndrome; Periodontitis, aggressive; Papillon-Lefèvre syndrome. Last evaluated: 2025-03-07. Review status: criteria provided, single submitter. Criteria: Invitae Variant Classification Sherloc (09022015). Collection method: clinical testing. Allele origin: germline.
Comment: This sequence change replaces glycine, which is neutral and non-polar, with serine, which is neutral and polar, at codon 432 of the CTSC protein (p.Gly432Ser). This variant is present in population databases (rs142232391, gnomAD 0.008%). This variant has not been reported in the literature in individuals affected with CTSC-related conditions. ClinVar contains an entry for this variant (Variation ID: 836452). Invitae Evidence Modeling of protein sequence and biophysical properties (such as structural, functional, and spatial information, amino acid conservation, physicochemical variation, residue mobility, and thermodynamic stability) indicates that this missense variant is not expected to disrupt CTSC protein function with a negative predictive value of 80%. In summary, the available evidence is currently insufficient to determine the role of this variant in disease. Therefore, it has been classified as a Variant of Uncertain Significance.